The following is an entry in ClinVar:

NM_000153.4(GALC):c.1903A>G (p.Thr635Ala)

Gene: GALC (galactosylceramidase; minus strand). Cytogenetic location: 14q31.3.
Variant type: single nucleotide variant.
Coding change: c.1903A>G on transcript NM_000153.4 (MANE Select); coding-DNA position 1903, A replaced by G.
Protein change: p.Thr635Ala; replaces threonine 635 with alanine.
Molecular consequence: missense variant. On other transcripts: non-coding transcript variant (1).
Genome position (GRCh38, 1-based): chr14:87,939,913, T>C on the plus strand (A>G on the coding strand, the complement: GALC is on the minus strand). VCF-style: chr14-87939913-T-C. GRCh37 (hg19) VCF-style: chr14-88406257-T-C.
Other names: c.1834A>G, p.Thr612Ala (NM_001201401.2); c.1825A>G, p.Thr609Ala (NM_001201402.2); c.1735A>G, p.Thr579Ala (NM_001424071.1, NM_001424072.1, NM_001424073.1); c.1555A>G, p.Thr519Ala (NM_001424074.1, NM_001424075.1); c.1270A>G, p.Thr424Ala (NM_001424076.1, NM_001424077.1); short protein forms T424A, T519A, T579A, T609A, T612A, T635A.
Identifiers: ClinVar variation 4802013 (VCV004802013.1).
Genomic context (GRCh38, chr14:87,939,913, plus strand): 5'-AATGCACAACAAAAGAGCATTTTACCTCCAGACTCCAATCAGCAATACTTACCTTAATAG[T>C]TAACGTGAGTGTATACCATTTTTTTGCTGTAACTTCAACACGTCCTAAAGCATATATAAT-3'
Protein context (NP_000144.2, residues 625-645): TAKKWYTLTL[Thr635Ala]IKGHFTSGML

ClinVar aggregate classification (germline): Uncertain significance (1 of 4 stars; one submission).

Conditions:
Galactosylceramide beta-galactosidase deficiency. Also called: Leukodystrophy, Globoid Cell; Krabbe Disease; GALACTOCEREBROSIDASE DEFICIENCY; GALC DEFICIENCY; GLOBOID CELL LEUKOENCEPHALOPATHY. Identifiers: Orphanet 487, MedGen C0023521, MONDO:0009499, OMIM 245200.

Submission:

Labcorp Genetics (formerly Invitae), Labcorp
Classification: Uncertain significance for Galactosylceramide beta-galactosidase deficiency. Last evaluated: 2025-04-21. Review status: criteria provided, single submitter. Criteria: Invitae Variant Classification Sherloc (09022015). Collection method: clinical testing. Allele origin: germline.
Comment: This sequence change replaces threonine, which is neutral and polar, with alanine, which is neutral and non-polar, at codon 635 of the GALC protein (p.Thr635Ala). This variant is not present in population databases (gnomAD no frequency). This variant has not been reported in the literature in individuals affected with GALC-related conditions. Invitae Evidence Modeling of protein sequence and biophysical properties (such as structural, functional, and spatial information, amino acid conservation, physicochemical variation, residue mobility, and thermodynamic stability) has been performed for this missense variant. However, the output from this modeling did not meet the statistical confidence thresholds required to predict the impact of this variant on GALC protein function. In summary, the available evidence is currently insufficient to determine the role of this variant in disease. Therefore, it has been classified as a Variant of Uncertain Significance.